The following is an entry in ClinVar:

ClinVar aggregate classification (germline): Uncertain significance (1 of 4 stars; one submission).

Conditions:
Mosaic variegated aneuploidy syndrome 2 (MVA2). Identifiers: Orphanet 1052, MedGen C3279843, MONDO:0013582, OMIM 614114.

Submission:

Labcorp Genetics (formerly Invitae), Labcorp
Classification: Uncertain significance for Mosaic variegated aneuploidy syndrome 2. Last evaluated: 2021-06-18. Review status: criteria provided, single submitter. Criteria: Invitae Variant Classification Sherloc (09022015). Collection method: clinical testing. Allele origin: germline.
Comment: In summary, the available evidence is currently insufficient to determine the role of this variant in disease. Therefore, it has been classified as a Variant of Uncertain Significance. Experimental studies and prediction algorithms are not available or were not evaluated, and the functional significance of this variant is currently unknown. This variant has not been reported in the literature in individuals with CEP57-related conditions. A copy number gain of the genomic region encompassing the full coding sequence of the CEP57 gene has been identified. The boundaries of this event are unknown as they extend beyond the assayed region for this gene and therefore may encompass additional genes. As the precise location of this event is unknown, it may be in tandem or it may be located elsewhere in the genome.

NC_000011.9:g.(?_95523863)_(95569448_?)dup

Genes: CEP57 (centrosomal protein 57; plus strand), MTMR2 (myotubularin related protein 2; minus strand). Cytogenetic location: 11q21.
Variant type: Duplication.
Identifiers: ClinVar variation 1411848 (VCV001411848.4).